The following is an entry in ClinVar:

ClinVar aggregate classification (germline): Benign/Likely benign. Review status: criteria provided, multiple submitters, no conflicts (2 of 4 stars). 3 submissions from 3 submitters: Benign (1); Likely benign (2). Last evaluated 2025-09-20.

Conditions:
Mitochondrial complex II deficiency, nuclear type 1. Also called: SUCCINATE CoQ REDUCTASE DEFICIENCY. Identifiers: Orphanet 3208, MedGen C5700310, MONDO:0100294, OMIM 252011.
Pheochromocytoma/paraganglioma syndrome 5. Also called: SDHA-Related Hereditary Paraganglioma-Pheochromocytoma Syndrome; Paragangliomas 5. Identifiers: Orphanet 29072, MedGen C3279992, MONDO:0013602, OMIM 614165.
Hereditary cancer-predisposing syndrome. Also called: Neoplastic Syndromes, Hereditary; Hereditary Cancer Syndrome; Tumor predisposition; Hereditary neoplastic syndrome. Identifiers: Orphanet 140162, MedGen C0027672, MeSH D009386, MONDO:0015356.

Allele frequency attached by ClinVar (database versions not stated): 1000 Genomes Project 0.00040; 1000 Genomes Project 30x 0.00047.
gnomAD v4.1: 2 of 1,613,984 alleles (0.00012%); highest among the groups gnomAD compares: East Asian, 0.0045%; 1 homozygote.

Submissions (3):

Labcorp Genetics (formerly Invitae), Labcorp
Classification: Likely benign for Pheochromocytoma/paraganglioma syndrome 5; Mitochondrial complex II deficiency, nuclear type 1. Last evaluated: 2025-09-20. Review status: criteria provided, single submitter. Criteria: Invitae Variant Classification Sherloc (09022015). Collection method: clinical testing. Allele origin: germline.

Myriad Genetics, Inc.
Classification: Benign for Pheochromocytoma/paraganglioma syndrome 5. Last evaluated: 2025-03-11. Review status: criteria provided, single submitter. Criteria: Myriad Autosomal Dominant, Autosomal Recessive and X-Linked Classification Criteria (2023). Collection method: clinical testing. Allele origin: unknown.
Comment: This variant is considered benign. This variant is a silent/synonymous amino acid change and it is not expected to impact splicing.

Ambry Genetics
Classification: Likely benign for Hereditary cancer-predisposing syndrome. Last evaluated: 2021-12-30. Review status: criteria provided, single submitter. Criteria: Ambry Variant Classification Scheme 2023. Collection method: clinical testing. Allele origin: germline.

NM_004168.4(SDHA):c.1773G>C (p.Ala591=)

Gene: SDHA (succinate dehydrogenase complex flavoprotein subunit A; plus strand). Cytogenetic location: 5p15.33.
Variant type: single nucleotide variant.
Coding change: c.1773G>C on transcript NM_004168.4 (MANE Select); coding-DNA position 1773, G replaced by C.
Protein change: p.Ala591=; no amino-acid change (alanine 591 retained).
Molecular consequence: synonymous variant. On other transcripts: intron variant (1).
Genome position (GRCh38, 1-based): chr5:251,447, G>C. VCF-style: chr5-251447-G-C. GRCh37 (hg19) VCF-style: chr5-251562-G-C.
Other names: c.1629G>C, p.Ala543= (NM_001294332.2); c.1552-2946G>C (NM_001330758.2).
Identifiers: ClinVar variation 417247 (VCV000417247.15), dbSNP rs555028212, ClinGen allele CA3173355.